The following is an entry in ClinVar:

ClinVar aggregate classification (germline): Uncertain significance (1 of 4 stars; one submission).

Conditions:
Niemann-Pick disease, type C1. Also called: NEUROVISCERAL STORAGE DISEASE WITH VERTICAL SUPRANUCLEAR OPHTHALMOPLEGIA; NIEMANN-PICK DISEASE WITH CHOLESTEROL ESTERIFICATION BLOCK; NIEMANN-PICK DISEASE WITHOUT SPHINGOMYELINASE DEFICIENCY; NIEMANN-PICK DISEASE, CHRONIC NEURONOPATHIC FORM; NIEMANN-PICK DISEASE, VARIANT TYPE C1. Identifiers: Orphanet 646, MedGen C3179455, MONDO:0009757, OMIM 257220.

gnomAD v4.1: 4 of 1,614,122 alleles (0.00025%); highest among the groups gnomAD compares: South Asian, 0.0044%; no homozygotes.

Submission:

Victorian Clinical Genetics Services, Murdoch Childrens Research Institute
Classification: Uncertain significance for Niemann-Pick disease, type C1. Last evaluated: 2021-05-06. Review status: criteria provided, single submitter. Criteria: ACMG Guidelines, 2015. Collection method: clinical testing. Allele origin: germline. Inheritance: Autosomal recessive inheritance. Affected: yes.
Comment: Based on the classification scheme VCGS_Germline_v1.3.4, this variant is classified as VUS-3B. Following criteria are met: 0102 - Loss of function is a known mechanism of disease in this gene and is associated with Niemann-Pick disease type C1 (MIM# 257220). (I) 0106 - This gene is associated with autosomal recessive disease. (I) 0212 - Non-canonical splice site variant without proven consequence on splicing (no functional evidence available). (SP) 0251 - This variant is heterozygous. (I) 0301 - Variant is absent from gnomAD (both v2 and v3). (SP) 0508 - In silico predictions for abnormal splicing are conflicting. (I) 0705 - No comparable non-canonical splice site variants have previous evidence for pathogenicity. (I) 0807 - This variant has no previous evidence of pathogenicity. (I) 0905 - No published segregation evidence has been identified for this variant. (I) 1007 - No published functional evidence has been identified for this variant. (I) 1208 - Inheritance information for this variant is not currently available in this individual. (I) Legend: (SP) - Supporting pathogenic, (I) - Information, (SB) - Supporting benign

NM_000271.5(NPC1):c.631+5G>A

Gene: NPC1 (NPC intracellular cholesterol transporter 1; minus strand). Cytogenetic location: 18q11.2.
Variant type: single nucleotide variant.
Coding change: c.631+5G>A on transcript NM_000271.5 (MANE Select); 5 bases into the intron after coding-DNA position 631, G replaced by A.
Molecular consequence: intron variant.
Genome position (GRCh38, 1-based): chr18:23,561,355, C>T on the plus strand (G>A on the coding strand, the complement: NPC1 is on the minus strand). VCF-style: chr18-23561355-C-T. GRCh37 (hg19) VCF-style: chr18-21141319-C-T.
Identifiers: ClinVar variation 1804975 (VCV001804975.1), dbSNP rs2145484441, ClinGen allele CA1139771256.